The following is an entry in ClinVar:

ClinVar aggregate classification (germline): Uncertain significance. Review status: criteria provided, multiple submitters, no conflicts (2 of 4 stars). 2 submissions from 2 submitters: Uncertain significance (2). Last evaluated 2022-10-11.

Conditions:
Immunodeficiency 104. Also called: Severe combined immunodeficiency, autosomal recessive, T cell-negative, B cell-positive, NK cell-positive; SCID, AUTOSOMAL RECESSIVE, T CELL-NEGATIVE, B CELL-POSITIVE, NK CELL-POSITIVE; Severe Combined Immune Deficiency, Autosomal Recessive, TCell -Negative, B Cell-Positive, NK Cell-Positive, IL7R-Related; IMMUNODEFICIENCY 104, SEVERE COMBINED. Identifiers: MedGen C5676890, MONDO:0012163, OMIM 608971.

Allele frequency attached by ClinVar (database versions not stated): TOPMed below 0.00001.

Submissions (2):

Labcorp Genetics (formerly Invitae), Labcorp
Classification: Uncertain significance for Immunodeficiency 104. Last evaluated: 2022-10-11. Review status: criteria provided, single submitter. Criteria: Invitae Variant Classification Sherloc (09022015). Collection method: clinical testing. Allele origin: germline.
Comment: Algorithms developed to predict the effect of missense changes on protein structure and function output the following: SIFT: "Tolerated"; PolyPhen-2: "Benign"; Align-GVGD: "Class C0". The serine amino acid residue is found in multiple mammalian species, which suggests that this missense change does not adversely affect protein function. In summary, the available evidence is currently insufficient to determine the role of this variant in disease. Therefore, it has been classified as a Variant of Uncertain Significance. ClinVar contains an entry for this variant (Variation ID: 1702702). This variant has not been reported in the literature in individuals affected with PTPRC-related conditions. This variant is not present in population databases (gnomAD no frequency). This sequence change replaces asparagine, which is neutral and polar, with serine, which is neutral and polar, at codon 234 of the PTPRC protein (p.Asn234Ser).

GeneDx
Classification: Uncertain significance. Last evaluated: 2022-02-21. Review status: criteria provided, single submitter. Criteria: GeneDx Variant Classification Process June 2021. Collection method: clinical testing. Allele origin: germline. Affected: yes.
Comment: Not observed at significant frequency in large population cohorts (gnomAD); In silico analysis supports that this missense variant does not alter protein structure/function; Has not been previously published as pathogenic or benign to our knowledge

NM_002838.5(PTPRC):c.701A>G (p.Asn234Ser)

Gene: PTPRC (protein tyrosine phosphatase receptor type C; plus strand). Cytogenetic location: 1q32.1.
Variant type: single nucleotide variant.
Coding change: c.701A>G on transcript NM_002838.5 (MANE Select); coding-DNA position 701, A replaced by G.
Protein change: p.Asn234Ser; replaces asparagine 234 with serine.
Molecular consequence: missense variant.
Genome position (GRCh38, 1-based): chr1:198,706,749, A>G. VCF-style: chr1-198706749-A-G. GRCh37 (hg19) VCF-style: chr1-198675878-A-G.
Other names: c.218A>G, p.Asn73Ser (NM_080921.4); short protein forms N234S, N73S.
Identifiers: ClinVar variation 1702702 (VCV001702702.7), dbSNP rs1652993977, ClinGen allele CA344032999.
Genomic context (GRCh38, chr1:198,706,749, plus strand): 5'-TATTTATTCTGGAAAAATAACACTCAATGTTCTATTTTCTTTTAGATGAAAAATATGCAA[A>G]CATCACTGTGGATTACTTATATAACAAGGAAACTAAATTATTTACAGCAAAGCTAAATGT-3'
Protein context (NP_002829.3, residues 224-244): SKPTCDEKYA[Asn234Ser]ITVDYLYNKE